The following is an entry in ClinVar:

NM_003072.5(SMARCA4):c.2580C>T (p.Tyr860=)

Gene: SMARCA4 (SWI/SNF related BAF chromatin remodeling complex subunit ATPase 4; plus strand). Cytogenetic location: 19p13.2.
Variant type: single nucleotide variant.
Coding change: c.2580C>T on transcript NM_003072.5 (MANE Select); coding-DNA position 2580, C replaced by T.
Protein change: p.Tyr860=; no amino-acid change (tyrosine 860 retained).
Molecular consequence: synonymous variant. On other transcripts: non-coding transcript variant (1).
Genome position (GRCh38, 1-based): chr19:11,019,665, C>T. VCF-style: chr19-11019665-C-T. GRCh37 (hg19) VCF-style: chr19-11130341-C-T.
Other names: c.2580C>T, p.Tyr860= (NM_001128844.3, NM_001128845.2, NM_001128846.2 and 5 more transcripts).
Identifiers: ClinVar variation 480568 (VCV000480568.38), dbSNP rs776649185, ClinGen allele CA9204163.

ClinVar aggregate classification (germline): Benign/Likely benign. Review status: criteria provided, multiple submitters, no conflicts (2 of 4 stars). 8 submissions from 8 submitters: Benign (4); Likely benign (3). 1 of the submissions does not count toward it. Last evaluated 2026-07-13.

Conditions:
Intellectual disability, autosomal dominant 16 (CSS4). Also called: COFFIN-SIRIS SYNDROME 4. Identifiers: Orphanet 1465, MedGen C3553249, MONDO:0013821, OMIM 614609.
Hereditary cancer-predisposing syndrome. Also called: Tumor predisposition; Neoplastic Syndromes, Hereditary; Hereditary Cancer Syndrome; Hereditary neoplastic syndrome. Identifiers: Orphanet 140162, MedGen C0027672, MeSH D009386, MONDO:0015356.
SMARCA4-related disorder. Also called: SMARCA4-related condition.
Rhabdoid tumor predisposition syndrome 2 (RTPS2). Identifiers: Orphanet 231108, Orphanet 69077, MedGen C2750074, MONDO:0013224, OMIM 613325.

Allele frequency attached by ClinVar (database versions not stated): gnomAD exomes 0.00020 and 0.00011; gnomAD below 0.00001 and 0.00005; TOPMed 0.00001; ExAC 0.00023.
gnomAD v4.1: 162 of 1,613,614 alleles (0.01%); highest among the groups gnomAD compares: South Asian, 0.16%; 3 homozygotes.

Submissions (8):

Myriad Genetics, Inc.
Classification: Benign for Rhabdoid tumor predisposition syndrome 2. Last evaluated: 2026-07-13. Review status: criteria provided, single submitter. Criteria: Myriad Autosomal Dominant, Autosomal Recessive and X-Linked Classification Criteria (2023). Collection method: clinical testing. Allele origin: unknown.
Comment: This variant is considered benign. This variant is a silent/synonymous amino acid change and it is not expected to impact splicing.

Labcorp Genetics (formerly Invitae), Labcorp
Classification: Benign for Rhabdoid tumor predisposition syndrome 2. Last evaluated: 2026-01-28. Review status: criteria provided, single submitter. Criteria: Invitae Variant Classification Sherloc (09022015). Collection method: clinical testing. Allele origin: germline.

CeGaT Center for Human Genetics Tuebingen
Classification: Likely benign. Last evaluated: 2025-01-01. Review status: criteria provided, single submitter. Criteria: CeGaT Center For Human Genetics Tuebingen Variant Classification Criteria Version 2. Collection method: clinical testing. Allele origin: germline. Affected: yes. Observed: 1 variant allele.
Comment: SMARCA4: BP4, BP7

Sema4
Classification: Benign for Hereditary cancer-predisposing syndrome. Last evaluated: 2022-02-24. Review status: criteria provided, single submitter. Criteria: Sema4 Curation Guidelines. Collection method: curation. Allele origin: germline.

Genome-Nilou Lab
Classification: Benign for Intellectual disability, autosomal dominant 16. Last evaluated: 2021-07-15. Review status: criteria provided, single submitter. Criteria: ACMG Guidelines, 2015. Collection method: clinical testing. Allele origin: germline. Affected: no.

GeneDx
Classification: Likely benign. Last evaluated: 2020-09-03. Review status: criteria provided, single submitter. Criteria: GeneDx Variant Classification Process June 2021. Collection method: clinical testing. Allele origin: germline. Affected: yes.

Ambry Genetics
Classification: Likely benign for Hereditary cancer-predisposing syndrome. Last evaluated: 2015-07-30. Review status: criteria provided, single submitter. Criteria: Ambry Variant Classification Scheme 2023. Collection method: clinical testing. Allele origin: germline.

PreventionGenetics, part of Exact Sciences
Classification: Likely benign for SMARCA4-related condition. Last evaluated: 2023-10-20. Review status: no assertion criteria provided. Collection method: clinical testing. Allele origin: germline. Not counted in ClinVar's aggregate classification.
Comment: This variant is classified as likely benign based on ACMG/AMP sequence variant interpretation guidelines (Richards et al. 2015 PMID: 25741868, with internal and published modifications).